The following is an entry in ClinVar:

ClinVar aggregate classification (germline): Likely benign. Review status: criteria provided, multiple submitters, no conflicts (2 of 4 stars). 3 submissions from 3 submitters: Likely benign (3). Last evaluated 2024-01-08.

Allele frequency attached by ClinVar (database versions not stated): gnomAD exomes 0.00004 and 0.00006; TOPMed 0.00005; ExAC 0.00008; gnomAD 0.00008 and 0.00009; ESP Exome Variant Server 0.00019; 1000 Genomes Project 30x 0.00021; 1000 Genomes Project 0.00026.

Submissions (3):

Ambry Genetics
Classification: Likely benign. Last evaluated: 2024-01-08. Review status: criteria provided, single submitter. Criteria: Ambry Variant Classification Scheme 2023. Collection method: clinical testing. Allele origin: germline.

CeGaT Center for Human Genetics Tuebingen
Classification: Likely benign. Last evaluated: 2023-02-01. Review status: criteria provided, single submitter. Criteria: CeGaT Center For Human Genetics Tuebingen Variant Classification Criteria Version 2. Collection method: clinical testing. Allele origin: germline. Affected: yes. Observed: 1 variant allele.
Comment: CCDC22: BP4, BS2

Genetic Services Laboratory, University of Chicago
Classification: Likely benign. Last evaluated: 2017-06-20. Review status: criteria provided, single submitter. Criteria: ACMG Guidelines, 2015. Collection method: clinical testing. Allele origin: germline. Affected: no.

NM_014008.5(CCDC22):c.1078G>A (p.Val360Ile)

Gene: CCDC22 (CCC complex scaffolding subunit CCDC22; plus strand). Cytogenetic location: Xp11.23.
Variant type: single nucleotide variant.
Coding change: c.1078G>A on transcript NM_014008.5 (MANE Select); coding-DNA position 1078, G replaced by A.
Protein change: p.Val360Ile; replaces valine 360 with isoleucine.
Molecular consequence: missense variant.
Genome position (GRCh38, 1-based): chrX:49,247,754, G>A. VCF-style: chrX-49247754-G-A. GRCh37 (hg19) VCF-style: chrX-49104215-G-A.
Other names: c.1078G>A (NM_014008.3); short protein forms V360I.
Identifiers: ClinVar variation 434618 (VCV000434618.31), dbSNP rs145766807, ClinGen allele CA10411394.
Genomic context (GRCh38, chrX:49,247,754, plus strand): 5'-CAGCTGGAAGGAGTGAACCGCAGCATTGAGGAGGTTGAGGCCGACATGAAGACCCTGGGC[G>A]TCAGCTTTGTGCAGGTAAGGGGCGGAGGAGGGGCTGCGCGTTGGGCTAGGTCAGAAGGAG-3'
Protein context (NP_054727.1, residues 350-370): EVEADMKTLG[Val360Ile]SFVQAESECR